The following is an entry in ClinVar:

NM_018082.6(POLR3B):c.637A>G (p.Arg213Gly)

Gene: POLR3B (RNA polymerase III subunit B; plus strand). Cytogenetic location: 12q23.3.
Variant type: single nucleotide variant.
Coding change: c.637A>G on transcript NM_018082.6 (MANE Select); coding-DNA position 637, A replaced by G.
Protein change: p.Arg213Gly; replaces arginine 213 with glycine.
Molecular consequence: missense variant.
Genome position (GRCh38, 1-based): chr12:106,380,053, A>G. VCF-style: chr12-106380053-A-G. GRCh37 (hg19) VCF-style: chr12-106773831-A-G.
Other names: c.463A>G, p.Arg155Gly (NM_001160708.2); short protein forms R155G, R213G.
Identifiers: ClinVar variation 4755696 (VCV004755696.2).

ClinVar aggregate classification (germline): Conflicting classifications of pathogenicity. Review status: criteria provided, conflicting classifications (1 of 4 stars). 2 submissions from 2 submitters: Pathogenic (1); Uncertain significance (1). Last evaluated 2025-08-05.

Conditions:
Charcot-Marie-Tooth disease, demyelinating, IIA 1I. Also called: CHARCOT-MARIE-TOOTH NEUROPATHY, TYPE 1I; Charcot-Marie-Tooth disease, demyelinating, type 1I. Identifiers: MedGen C5676914, MONDO:0030677, OMIM 619742.

Submissions (2):

GeneDx
Classification: Pathogenic. Last evaluated: 2025-08-05. Review status: criteria provided, single submitter. Criteria: GeneDx Variant Classification Process June 2021. Collection method: clinical testing. Allele origin: germline. Affected: yes.
Comment: Not observed at significant frequency in large population cohorts (gnomAD); In silico analysis supports that this missense variant has a deleterious effect on protein structure/function; This variant is associated with the following publications: (PMID: 35982159, 33057194)

UAEU Genomics Laboratory, United Arab Emirates University
Classification: Uncertain significance for Charcot-Marie-Tooth disease, demyelinating, IIA 1I. Last evaluated: 2024-10-17. Review status: criteria provided, single submitter. Criteria: ACMG Guidelines, 2015. Collection method: research. Allele origin: unknown. Affected: yes. Observed: 1 variant allele.
Comment: PM2, PP2